The following is an entry in ClinVar:

ClinVar aggregate classification (germline): Uncertain significance (1 of 4 stars; one submission).

Allele frequency attached by ClinVar (database versions not stated): ExAC 0.00001; gnomAD exomes 0.00001.
gnomAD v4.1: 8 of 1,211,691 alleles (0.00066%); highest among the groups gnomAD compares: Non-Finnish European, 0.00089%; no homozygotes.

Submission:

GeneDx
Classification: Uncertain significance. Last evaluated: 2021-06-07. Review status: criteria provided, single submitter. Criteria: GeneDx Variant Classification Process June 2021. Collection method: clinical testing. Allele origin: germline. Affected: yes.
Comment: In silico analysis supports that this missense variant does not alter protein structure/function; Has not been previously published as pathogenic or benign to our knowledge; This variant is associated with the following publications: (PMID: 27535533)

NM_001278116.2(L1CAM):c.1418G>A (p.Arg473His)

Gene: L1CAM (L1 cell adhesion molecule; minus strand). Cytogenetic location: Xq28.
Variant type: single nucleotide variant.
Coding change: c.1418G>A on transcript NM_001278116.2 (MANE Select); coding-DNA position 1418, G replaced by A.
Protein change: p.Arg473His; replaces arginine 473 with histidine.
Molecular consequence: missense variant.
Genome position (GRCh38, 1-based): chrX:153,868,689, C>T on the plus strand (G>A on the coding strand, the complement: L1CAM is on the minus strand). VCF-style: chrX-153868689-C-T. GRCh37 (hg19) VCF-style: chrX-153134144-C-T.
Other names: c.1418G>A, p.Arg473His (NM_000425.5, NM_024003.3); c.1403G>A, p.Arg468His (NM_001143963.2); short protein forms R468H, R473H.
Identifiers: ClinVar variation 1191302 (VCV001191302.2), dbSNP rs782516225, ClinGen allele CA10554368.